The following is an entry in ClinVar:

NM_017636.4(TRPM4):c.2697_2699dup (p.Phe899_Met900insIle)

Gene: TRPM4 (transient receptor potential cation channel subfamily M member 4; plus strand). Cytogenetic location: 19q13.33.
Variant type: Duplication.
Coding change: c.2697_2699dup on transcript NM_017636.4 (MANE Select); coding-DNA positions 2697 to 2699, 3 bases duplicated (CAT; older notation c.2697_2699dupCAT).
Protein change: p.Phe899_Met900insIle.
Molecular consequence: inframe insertion.
Genome position (GRCh38, 1-based): chr19:49,200,351-49,200,353, CAT duplicated; duplicating any 3 consecutive bases within chr19:49,200,350-49,200,353 gives the same sequence; the c. name uses the placement nearest the transcript's 3' end. VCF-style (leftmost placement, unchanged base first): chr19-49200349-T-TTCA. GRCh37 (hg19) VCF-style: chr19-49703606-T-TTCA.
Other names: c.2262_2264dup, p.Phe754_Met755insIle (NM_001195227.2); c.2352_2354dup, p.Phe784_Met785insIle (NM_001321281.2); c.1089_1091dup, p.Phe363_Met364insIle (NM_001321282.2); c.2175_2177dup, p.Phe725_Met726insIle (NM_001321283.2); c.1635_1637dup, p.Phe545_Met546insIle (NM_001321285.2).
Identifiers: ClinVar variation 2025683 (VCV002025683.4), dbSNP rs2514200418, ClinGen allele CA2580097547.

ClinVar aggregate classification (germline): Uncertain significance (1 of 4 stars; one submission).

Conditions:
Progressive familial heart block type IB (PFHB1B). Identifiers: Orphanet 871, MedGen C1970298, MONDO:0011474, OMIM 604559.

Submission:

Labcorp Genetics (formerly Invitae), Labcorp
Classification: Uncertain significance for Progressive familial heart block type IB. Last evaluated: 2022-08-21. Review status: criteria provided, single submitter. Criteria: Invitae Variant Classification Sherloc (09022015). Collection method: clinical testing. Allele origin: germline.
Comment: This variant, c.2697_2699dup, results in the insertion of 1 amino acid(s) of the TRPM4 protein (p.Phe899_Met900insIle), but otherwise preserves the integrity of the reading frame. This variant is not present in population databases (gnomAD no frequency). This variant has not been reported in the literature in individuals affected with TRPM4-related conditions. In summary, the available evidence is currently insufficient to determine the role of this variant in disease. Therefore, it has been classified as a Variant of Uncertain Significance.